The following is an entry in ClinVar:

ClinVar aggregate classification (germline): Uncertain significance (1 of 4 stars; one submission).

Conditions:
Arrhythmogenic cardiomyopathy with wooly hair and keratoderma. Also called: Carvajal syndrome; PALMOPLANTAR KERATODERMA WITH LEFT VENTRICULAR CARDIOMYOPATHY AND WOOLLY HAIR; Dilated cardiomyopathy with woolly hair and keratoderma; Arrhythmogenic cardiomyopathy with woolly hair and keratoderma. Identifiers: Orphanet 65282, MedGen C1854063, MONDO:0011581, OMIM 605676.

Allele frequency attached by ClinVar (database versions not stated): gnomAD exomes below 0.00001.
gnomAD v4.1: 3 of 1,614,174 alleles (0.00019%); highest among the groups gnomAD compares: Non-Finnish European, 0.00025%; no homozygotes.

Submission:

All of Us Research Program, National Institutes of Health
Classification: Uncertain significance for Arrhythmogenic cardiomyopathy with wooly hair and keratoderma. Last evaluated: 2023-02-24. Review status: criteria provided, single submitter. Criteria: ACMG Guidelines, 2015. Collection method: clinical testing. Allele origin: germline. Inheritance: Autosomal dominant inheritance. Observed: 1 variant allele, 1 heterozygote.
Comment: This missense variant replaces lysine with glutamic acid at codon 432 of the DSP protein. Computational prediction is inconclusive regarding the impact of this variant on protein structure and function (internally defined REVEL score threshold 0.5 < inconclusive < 0.7, PMID: 27666373). To our knowledge, functional studies have not been reported for this variant. This variant has not been reported in individuals affected with DSP-related disorders in the literature. This variant has not been identified in the general population by the Genome Aggregation Database (gnomAD). The available evidence is insufficient to determine the role of this variant in disease conclusively. Therefore, this variant is classified as a Variant of Uncertain Significance.

This study involves interpretation of variants in research participants for the purpose of population health screening. Participant phenotype was not available at the time of variant classification. Additional details can be found in publication PMID: 35346344, PMCID: PMC8962531

NM_004415.4(DSP):c.1294A>G (p.Lys432Glu)

Gene: DSP (desmoplakin; plus strand). Cytogenetic location: 6p24.3.
Variant type: single nucleotide variant.
Coding change: c.1294A>G on transcript NM_004415.4 (MANE Select); coding-DNA position 1294, A replaced by G.
Protein change: p.Lys432Glu; replaces lysine 432 with glutamic acid.
Molecular consequence: missense variant.
Genome position (GRCh38, 1-based): chr6:7,568,464, A>G. VCF-style: chr6-7568464-A-G. GRCh37 (hg19) VCF-style: chr6-7568697-A-G.
Other names: c.1294A>G, p.Lys432Glu (NM_001008844.3, NM_001319034.2, NM_001406591.1); short protein forms K432E.
Identifiers: ClinVar variation 3069634 (VCV003069634.1), dbSNP rs2533883971, ClinGen allele CA362676339.
Genomic context (GRCh38, chr6:7,568,464, plus strand): 5'-TATGTTTAAGTATGATTTTATTCACCATTGCAGAAAGAACGAGAGAAAATCCTTGAATAC[A>G]AGCGTCAGGTGCAGAACTTGGTAAACAAGTCTAAGAAGATTGTACAGCTGAAGCCTCGTA-3'
Protein context (NP_004406.2, residues 422-442): EKEREKILEY[Lys432Glu]RQVQNLVNKS